The following is an entry in ClinVar:

NM_005359.6(SMAD4):c.668-18G>A

Gene: SMAD4 (SMAD family member 4; plus strand). Cytogenetic location: 18q21.2.
Variant type: single nucleotide variant.
Coding change: c.668-18G>A on transcript NM_005359.6 (MANE Select); 18 bases into the intron before coding-DNA position 668, G replaced by A.
Molecular consequence: intron variant.
Genome position (GRCh38, 1-based): chr18:51,058,107, G>A. VCF-style: chr18-51058107-G-A. GRCh37 (hg19) VCF-style: chr18-48584477-G-A.
Other names: c.668-18G>A (NM_001407042.1, NM_001407041.1, NM_001407043.1).
Identifiers: ClinVar variation 3903805 (VCV003903805.1).
Genomic context (GRCh38, chr18:51,058,107, plus strand): 5'-TTGGTCCTTCATTTAGTATATGAAATCATAAGATGACATCTATGAATGTACCATGTTAAT[G>A]TCTTCTTGTTCCTCTAGGTCAGCCTGCCAGTATACTGGGGGGCAGCCATAGTGAAGGACT-3'

ClinVar aggregate classification (germline): Likely benign (1 of 4 stars; one submission).

Conditions:
Juvenile polyposis/hereditary hemorrhagic telangiectasia syndrome (JPHT). Also called: JP/HHT SYNDROME; JUVENILE POLYPOSIS WITH HEREDITARY HEMORRHAGIC TELANGIECTASIA; POLYPOSIS, GENERALIZED JUVENILE, WITH PULMONARY ARTERIOVENOUS MALFORMATION; TELANGIECTASIA, HEREDITARY HEMORRHAGIC, WITH JUVENILE POLYPOSIS COLI; Juvenile Polyposis Syndrome / Hereditary Hemorrhagic Telangiectasia (JPS/HHT). Identifiers: Orphanet 2929, MedGen C1832942, MONDO:0008278, OMIM 175050.

gnomAD v4.1: 1 of 1,610,950 alleles (0.000062%); highest among the groups gnomAD compares: Non-Finnish European, 0.000085%; no homozygotes.

Submission:

Myriad Genetics, Inc.
Classification: Likely benign for Juvenile polyposis/hereditary hemorrhagic telangiectasia syndrome. Last evaluated: 2025-03-19. Review status: criteria provided, single submitter. Criteria: Myriad Autosomal Dominant, Autosomal Recessive and X-Linked Classification Criteria (2023). Collection method: clinical testing. Allele origin: unknown.
Comment: This variant is considered likely benign. This variant is intronic and is not expected to impact mRNA splicing.